The following is an entry in ClinVar:

ClinVar aggregate classification (germline): Uncertain significance (1 of 4 stars; one submission).

Conditions:
Charcot-Marie-Tooth disease dominant intermediate C (CMTDIC). Also called: CHARCOT-MARIE-TOOTH NEUROPATHY, DOMINANT INTERMEDIATE C. Identifiers: Orphanet 100045, MedGen C1842237, MONDO:0012012, OMIM 608323.

Submission:

Labcorp Genetics (formerly Invitae), Labcorp
Classification: Uncertain significance for Charcot-Marie-Tooth disease dominant intermediate C. Last evaluated: 2024-07-18. Review status: criteria provided, single submitter. Criteria: Invitae Variant Classification Sherloc (09022015). Collection method: clinical testing. Allele origin: germline.
Comment: This sequence change replaces phenylalanine, which is neutral and non-polar, with leucine, which is neutral and non-polar, at codon 269 of the YARS protein (p.Phe269Leu). This variant is not present in population databases (gnomAD no frequency). This variant has not been reported in the literature in individuals affected with YARS-related conditions. Advanced modeling of protein sequence and biophysical properties (such as structural, functional, and spatial information, amino acid conservation, physicochemical variation, residue mobility, and thermodynamic stability) performed at Invitae indicates that this missense variant is not expected to disrupt YARS protein function with a negative predictive value of 80%. In summary, the available evidence is currently insufficient to determine the role of this variant in disease. Therefore, it has been classified as a Variant of Uncertain Significance.

NM_003680.4(YARS1):c.807T>G (p.Phe269Leu)

Genes: YARS1 (tyrosyl-tRNA synthetase 1; minus strand), LOC126805688 (BRD4-independent group 4 enhancer GRCh37_chr1:33251929-33253128; plus strand). Cytogenetic location: 1p35.1.
Variant type: single nucleotide variant.
Coding change: c.807T>G on transcript NM_003680.4 (MANE Select); coding-DNA position 807, T replaced by G.
Protein change: p.Phe269Leu; replaces phenylalanine 269 with leucine.
Molecular consequence: missense variant.
Genome position (GRCh38, 1-based): chr1:32,786,953, A>C on the plus strand (T>G on the coding strand, the complement: YARS1 is on the minus strand). VCF-style: chr1-32786953-A-C. GRCh37 (hg19) VCF-style: chr1-33252554-A-C.
Other names: short protein forms F269L.
Identifiers: ClinVar variation 3687936 (VCV003687936.2).
Genomic context (GRCh38, chr1:32,786,953, plus strand): 5'-CTTTTCTATTCTAGCCTGGCCTCTAGGAAGAAAACAGAGAGTGTTACCGGACTTAAGGGG[A>C]AAAAGGACATGCTTGATGAAGGACAGAACCCCATTGTTCTCCACATTTCCTGGCTCACAG-3'
Protein context (NP_003671.1, residues 259-279): GVLSFIKHVL[Phe269Leu]PLKSEFVILR